The following is an entry in ClinVar:

ClinVar aggregate classification (germline): Likely pathogenic (1 of 4 stars; one submission).

Conditions:
Autosomal recessive limb-girdle muscular dystrophy type 2J (LGMDR10). Also called: Limb-girdle muscular dystrophy, type 2J; MUSCULAR DYSTROPHY, LIMB-GIRDLE, AUTOSOMAL RECESSIVE 10. Identifiers: Orphanet 140922, MedGen C1837342, MONDO:0012127, OMIM 608807.
Dilated cardiomyopathy 1G (CMD1G). Identifiers: Orphanet 154, MedGen C1858763, MONDO:0011400, OMIM 604145.

Submission:

Labcorp Genetics (formerly Invitae), Labcorp
Classification: Likely pathogenic for Dilated cardiomyopathy 1G; Autosomal recessive limb-girdle muscular dystrophy type 2J. Last evaluated: 2024-02-02. Review status: criteria provided, single submitter. Criteria: Invitae Variant Classification Sherloc (09022015). Collection method: clinical testing. Allele origin: germline.
Comment: This sequence change creates a premature translational stop signal (p.Gln34375*) in the TTN gene. While this is not anticipated to result in nonsense mediated decay, it is expected to create a truncated TTN protein. This variant is not present in population databases (gnomAD no frequency). This variant has not been reported in the literature in individuals affected with TTN-related conditions. This variant is located in the M band of TTN (PMID: 25589632). Truncating variants in this region have been previously reported in individuals affected with autosomal recessive myopathy and muscular dystrophy (PMID: 18948003, 23975875, 24395473). Truncating variants in this region have also been identified in individuals affected with autosomal dominant dilated cardiomyopathy and/or cardio-related conditions (PMID: 27869827, 32964742, Invitae internal data). In summary, the currently available evidence indicates that the variant is pathogenic, but additional data are needed to prove that conclusively. Therefore, this variant has been classified as Likely Pathogenic.

Literature cited by the submitters: PubMed 25589632; PubMed 18948003; PubMed 23975875; PubMed 24395473; PubMed 27869827; PubMed 32964742.

NM_001267550.2(TTN):c.103123C>T (p.Gln34375Ter)

Genes: TTN-AS1 (TTN antisense RNA 1; plus strand), TTN (titin; minus strand). Cytogenetic location: 2q31.2.
Variant type: single nucleotide variant.
Coding change: c.103123C>T on transcript NM_001267550.2 (MANE Select); coding-DNA position 103123, C replaced by T.
Protein change: p.Gln34375Ter; replaces glutamine 34375 with a stop codon.
Molecular consequence: nonsense.
Genome position (GRCh38, 1-based): chr2:178,533,492, G>A on the plus strand (C>T on the coding strand, the complement: TTN is on the minus strand). VCF-style: chr2-178533492-G-A. GRCh37 (hg19) VCF-style: chr2-179398219-G-A.
Other names: c.98200C>T, p.Gln32734Ter (NM_001256850.1); c.75928C>T, p.Gln25310Ter (NM_003319.4); c.95419C>T, p.Gln31807Ter (NM_133378.4); c.76303C>T, p.Gln25435Ter (NM_133432.3); c.76504C>T, p.Gln25502Ter (NM_133437.4); short protein forms Q25310*, Q25435*, Q25502*, Q31807*, Q32734*, Q34375*.
Identifiers: ClinVar variation 3754361 (VCV003754361.2).